The following is an entry in ClinVar:

ClinVar aggregate classification (germline): Uncertain significance (1 of 4 stars; one submission).

Submission:

GeneDx
Classification: Uncertain significance. Last evaluated: 2024-03-26. Review status: criteria provided, single submitter. Criteria: GeneDx Variant Classification Process June 2021. Collection method: clinical testing. Allele origin: germline. Affected: yes.
Comment: Not observed at significant frequency in large population cohorts (gnomAD); In silico analysis supports that this missense variant has a deleterious effect on protein structure/function; Has not been previously published as pathogenic or benign to our knowledge

NM_000424.4(KRT5):c.1484C>T (p.Thr495Ile)

Gene: KRT5 (keratin 5; minus strand). Cytogenetic location: 12q13.13.
Variant type: single nucleotide variant.
Coding change: c.1484C>T on transcript NM_000424.4 (MANE Select); coding-DNA position 1484, C replaced by T.
Protein change: p.Thr495Ile; replaces threonine 495 with isoleucine.
Molecular consequence: missense variant.
Genome position (GRCh38, 1-based): chr12:52,515,231, G>A on the plus strand (C>T on the coding strand, the complement: KRT5 is on the minus strand). VCF-style: chr12-52515231-G-A. GRCh37 (hg19) VCF-style: chr12-52909015-G-A.
Other names: short protein forms T495I.
Identifiers: ClinVar variation 3371346 (VCV003371346.1).